The following is an entry in ClinVar:

NM_007373.4(SHOC2):c.*404A>G

Gene: SHOC2 (SHOC2 leucine rich repeat scaffold protein; plus strand). Cytogenetic location: 10q25.2.
Variant type: single nucleotide variant.
Coding change: c.*404A>G on transcript NM_007373.4 (MANE Select); 404 bases downstream of the stop codon, A replaced by G.
Molecular consequence: 3 prime UTR variant. On other transcripts: non-coding transcript variant (1).
Genome position (GRCh38, 1-based): chr10:111,012,222, A>G. VCF-style: chr10-111012222-A-G. GRCh37 (hg19) VCF-style: chr10-112771980-A-G.
Other names: c.*404A>G (NM_001269039.3, NM_001324336.2, NM_001324337.2).
Identifiers: ClinVar variation 298866 (VCV000298866.29), dbSNP rs539394184, ClinGen allele CA10631028.

ClinVar aggregate classification (germline): Conflicting classifications of pathogenicity. Review status: criteria provided, conflicting classifications (1 of 4 stars). 2 submissions from 2 submitters: Uncertain significance (1); Benign (1). Last evaluated 2022-10-01.

Conditions:
Noonan syndrome-like disorder with loose anagen hair 1 (NSLH1). Also called: MAZZANTI SYNDROME; TOSTI SYNDROME. Identifiers: Orphanet 2701, MedGen C4478716, MONDO:0054637, OMIM 607721.

Allele frequency attached by ClinVar (database versions not stated): 1000 Genomes Project 30x 0.00062; TOPMed 0.00079; gnomAD 0.00081 and 0.00086; gnomAD exomes 0.00115.
gnomAD v4.1: 167 of 193,330 alleles (0.086%); highest among the groups gnomAD compares: Non-Finnish European, 0.16%; no homozygotes.

Submissions (2):

CeGaT Center for Human Genetics Tuebingen
Classification: Benign. Last evaluated: 2022-10-01. Review status: criteria provided, single submitter. Criteria: CeGaT Center For Human Genetics Tuebingen Variant Classification Criteria Version 2. Collection method: clinical testing. Allele origin: germline. Affected: yes. Observed: 2 variant alleles.
Comment: SHOC2: BS1, BS2

Illumina Laboratory Services, Illumina
Classification: Uncertain significance for Noonan syndrome-like disorder with loose anagen hair 1. Last evaluated: 2018-01-13. Review status: criteria provided, single submitter. Criteria: ICSL Variant Classification Criteria 13 December 2019. Collection method: clinical testing. Allele origin: germline.